The following is an entry in ClinVar:

ClinVar aggregate classification (germline): Pathogenic (1 of 4 stars; one submission).

Conditions:
Combined immunodeficiency with skin granulomas. Identifiers: Orphanet 157949, MedGen C2673536, MONDO:0009306, OMIM 233650.
Severe combined immunodeficiency, autosomal recessive, T cell-negative, B cell-negative, NK cell-positive. Also called: SCID, AR, T-cell negative, B-cell negative, NK cell-positive; SCID, T CELL-NEGATIVE, B CELL-NEGATIVE, NK CELL-POSITIVE; Severe combined immunodeficiency due to complete RAG1/2 deficiency. Identifiers: Orphanet 331206, MedGen C1832322, MONDO:0011086, OMIM 601457.

Submission:

Labcorp Genetics (formerly Invitae), Labcorp
Classification: Pathogenic for Combined immunodeficiency with skin granulomas; Severe combined immunodeficiency, autosomal recessive, T cell-negative, B cell-negative, NK cell-positive. Last evaluated: 2022-03-27. Review status: criteria provided, single submitter. Criteria: Invitae Variant Classification Sherloc (09022015). Collection method: clinical testing. Allele origin: germline.
Comment: This variant is not present in population databases (gnomAD no frequency). For these reasons, this variant has been classified as Pathogenic. This variant disrupts a region of the RAG1 protein in which other variant(s) (p.Trp959*) have been determined to be pathogenic (PMID: 11133745, 24290284, 24406074). This suggests that this is a clinically significant region of the protein, and that variants that disrupt it are likely to be disease-causing. This variant has not been reported in the literature in individuals affected with RAG1-related conditions. This sequence change creates a premature translational stop signal (p.Val433Cysfs*3) in the RAG1 gene. While this is not anticipated to result in nonsense mediated decay, it is expected to disrupt the last 611 amino acid(s) of the RAG1 protein.

Literature cited by the submitters: PubMed 11133745; PubMed 24290284; PubMed 24406074.

NM_000448.3(RAG1):c.1297del (p.Val433fs)

Gene: RAG1 (recombination activating 1; plus strand). Cytogenetic location: 11p12.
Variant type: Deletion.
Coding change: c.1297del on transcript NM_000448.3 (MANE Select); coding-DNA position 1297, one base deleted (G; older notation c.1297delG).
Protein change: p.Val433fs; shifts the reading frame from valine 433.
Molecular consequence: frameshift variant.
Genome position (GRCh38, 1-based): chr11:36,574,601, G deleted. VCF-style (leftmost placement, unchanged base first): chr11-36574600-CG-C. GRCh37 (hg19) VCF-style: chr11-36596150-CG-C.
Other names: c.1297del, p.Val433fs (NM_001377277.1, NM_001377278.1, NM_001377279.1 and 1 more transcripts); short protein forms V433fs.
Identifiers: ClinVar variation 2118233 (VCV002118233.4), dbSNP rs2494755383, ClinGen allele CA2580084099.